The following is an entry in ClinVar:

ClinVar aggregate classification (germline): Uncertain significance. Review status: criteria provided, multiple submitters, no conflicts (2 of 4 stars). 2 submissions from 2 submitters: Uncertain significance (2). Last evaluated 2024-09-26.

Conditions:
Inborn genetic diseases. Identifiers: MedGen C0950123, MeSH D030342.
Mendelian susceptibility to mycobacterial diseases due to complete IL12RB1 deficiency. Also called: IL12RB1 DEFICIENCY; Immunodeficiency 30. Identifiers: Orphanet 319552, MedGen C4013949, MONDO:0013955, OMIM 614891.

Allele frequency attached by ClinVar (database versions not stated): TOPMed 0.00003; ExAC 0.00001; gnomAD exomes below 0.00001; gnomAD 0.00003.
gnomAD v4.1: 8 of 1,599,062 alleles (0.0005%); highest among the groups gnomAD compares: African/African-American, 0.0094%; no homozygotes.

Submissions (2):

Ambry Genetics
Classification: Uncertain significance for Inborn genetic diseases. Last evaluated: 2024-09-26. Review status: criteria provided, single submitter. Criteria: Ambry Variant Classification Scheme 2023. Collection method: clinical testing. Allele origin: germline.

Labcorp Genetics (formerly Invitae), Labcorp
Classification: Uncertain significance for Mendelian susceptibility to mycobacterial diseases due to complete IL12RB1 deficiency. Last evaluated: 2023-10-18. Review status: criteria provided, single submitter. Criteria: Invitae Variant Classification Sherloc (09022015). Collection method: clinical testing. Allele origin: germline.
Comment: This sequence change replaces glycine, which is neutral and non-polar, with aspartic acid, which is acidic and polar, at codon 626 of the IL12RB1 protein (p.Gly626Asp). The frequency data for this variant in the population databases is considered unreliable, as metrics indicate poor data quality at this position in the gnomAD database. This variant has not been reported in the literature in individuals affected with IL12RB1-related conditions. Algorithms developed to predict the effect of missense changes on protein structure and function output the following: SIFT: "Not Available"; PolyPhen-2: "Benign"; Align-GVGD: "Not Available". The aspartic acid amino acid residue is found in multiple mammalian species, which suggests that this missense change does not adversely affect protein function. In summary, the available evidence is currently insufficient to determine the role of this variant in disease. Therefore, it has been classified as a Variant of Uncertain Significance.

NM_005535.3(IL12RB1):c.1877G>A (p.Gly626Asp)

Gene: IL12RB1 (interleukin 12 receptor subunit beta 1; minus strand). Cytogenetic location: 19p13.11.
Variant type: single nucleotide variant.
Coding change: c.1877G>A on transcript NM_005535.3 (MANE Select); coding-DNA position 1877, G replaced by A.
Protein change: p.Gly626Asp; replaces glycine 626 with aspartic acid.
Molecular consequence: missense variant.
Genome position (GRCh38, 1-based): chr19:18,060,000, C>T on the plus strand (G>A on the coding strand, the complement: IL12RB1 is on the minus strand). VCF-style: chr19-18060000-C-T. GRCh37 (hg19) VCF-style: chr19-18170810-C-T.
Other names: c.1877G>A, p.Gly626Asp (NM_001290023.2); c.1997G>A, p.Gly666Asp (NM_001290024.2); short protein forms G626D, G666D.
Identifiers: ClinVar variation 2967717 (VCV002967717.2), dbSNP rs761145805, ClinGen allele CA9304663.